The following is an entry in ClinVar:

ClinVar aggregate classification (germline): Likely benign. Review status: criteria provided, multiple submitters, no conflicts (2 of 4 stars). 5 submissions from 5 submitters: Likely benign (4). 1 of the submissions does not count toward it. Last evaluated 2023-10-09.

Conditions:
PHOX2B-related disorder. Also called: PHOX2B-related condition.
Haddad syndrome (OHD). Also called: Ondine-Hirschsprung disease. Identifiers: Orphanet 99803, MedGen C1859049, MONDO:0020493.
Hereditary cancer-predisposing syndrome. Also called: Neoplastic Syndromes, Hereditary; Tumor predisposition; Hereditary Cancer Syndrome; Hereditary neoplastic syndrome. Identifiers: Orphanet 140162, MedGen C0027672, MeSH D009386, MONDO:0015356.

Allele frequency attached by ClinVar (database versions not stated): TOPMed 0.00001; gnomAD 0.00002.

Submissions (5):

Labcorp Genetics (formerly Invitae), Labcorp
Classification: Likely benign for Haddad syndrome. Last evaluated: 2023-10-09. Review status: criteria provided, single submitter. Criteria: Invitae Variant Classification Sherloc (09022015). Collection method: clinical testing. Allele origin: germline.

Ambry Genetics
Classification: Likely benign for Hereditary cancer-predisposing syndrome. Last evaluated: 2022-03-07. Review status: criteria provided, single submitter. Criteria: Ambry Variant Classification Scheme 2023. Collection method: clinical testing. Allele origin: germline.

Blueprint Genetics
Classification: Likely benign. Last evaluated: 2021-03-22. Review status: criteria provided, single submitter. Criteria: ACMG Guidelines, 2015. Collection method: clinical testing. Allele origin: germline.

Sema4
Classification: Likely benign for Hereditary cancer-predisposing syndrome. Last evaluated: 2020-11-02. Review status: criteria provided, single submitter. Criteria: Sema4 Curation Guidelines. Collection method: curation. Allele origin: germline.

PreventionGenetics, part of Exact Sciences
Classification: Likely benign for PHOX2B-related condition. Last evaluated: 2020-07-20. Review status: no assertion criteria provided. Collection method: clinical testing. Allele origin: germline. Not counted in ClinVar's aggregate classification.
Comment: This variant is classified as likely benign based on ACMG/AMP sequence variant interpretation guidelines (Richards et al. 2015 PMID: 25741868, with internal and published modifications).

NM_003924.4(PHOX2B):c.747A>C (p.Ala249=)

Genes: PHOX2B (paired like homeobox 2B; minus strand), LOC110011216 (paired like homeobox 2b polyalanine repeat instability region; plus strand). Cytogenetic location: 4p13.
Variant type: single nucleotide variant.
Coding change: c.747A>C on transcript NM_003924.4 (MANE Select); coding-DNA position 747, A replaced by C.
Protein change: p.Ala249=; no amino-acid change (alanine 249 retained).
Molecular consequence: synonymous variant.
Genome position (GRCh38, 1-based): chr4:41,746,005, T>G on the plus strand (A>C on the coding strand, the complement: PHOX2B is on the minus strand). VCF-style: chr4-41746005-T-G. GRCh37 (hg19) VCF-style: chr4-41748022-T-G.
Identifiers: ClinVar variation 535783 (VCV000535783.17), dbSNP rs1443950997, ClinGen allele CA439143059.
Genomic context (GRCh38, chr4:41,746,005, plus strand): 5'-AGGGCCCCCAGCCGCAGCCAGGCCTCCAGCTGCCGCCGCTGCCGCTGCCGCCGCCGCCGC[T>G]GCCGCGGCCGCCGCCGCTGCTGCTGCGCCGCCCTTGCCGGGTTCGCCTCCCGGGCCCCCG-3'
Protein context (NP_003915.2, residues 239-259): GGAAAAAAAA[Ala249=]AAAAAAAAAA